The following is an entry in ClinVar:

ClinVar aggregate classification (germline): Benign. Review status: criteria provided, multiple submitters, no conflicts (2 of 4 stars). 6 submissions from 6 submitters: Benign (5). 1 of the submissions does not count toward it. Last evaluated 2026-02-02.

Conditions:
Retinitis pigmentosa (RP). Identifiers: Orphanet 791, MedGen C0035334, MeSH D012174, MONDO:0019200, OMIM 268000. Inheritance: Autosomal dominant, autosomal recessive and X linked inheritance.
Retinitis pigmentosa 25 (RP25). Identifiers: Orphanet 791, MedGen C1864446, MONDO:0011272, OMIM 602772.

Allele frequency attached by ClinVar (database versions not stated): gnomAD exomes 0.00095 and 0.00225; ExAC 0.00401; gnomAD 0.00984 and 0.01062; TOPMed 0.01103; ESP Exome Variant Server 0.01161; 1000 Genomes Project 0.01198; 1000 Genomes Project 30x 0.01249.
gnomAD v4.1: 2,894 of 1,550,210 alleles (0.19%); highest among the groups gnomAD compares: African/African-American, 3.5%; 42 homozygotes.

Submissions (6):

Labcorp Genetics (formerly Invitae), Labcorp
Classification: Benign. Last evaluated: 2026-02-02. Review status: criteria provided, single submitter. Criteria: Invitae Variant Classification Sherloc (09022015). Collection method: clinical testing. Allele origin: germline.

Women's Health and Genetics/Laboratory Corporation of America, LabCorp
Classification: Benign. Last evaluated: 2022-03-23. Review status: criteria provided, single submitter. Criteria: LabCorp Variant Classification Summary - May 2015. Collection method: clinical testing. Allele origin: germline.
Comment: Variant summary: EYS c.5044G>T (p.Asp1682Tyr) results in a non-conservative amino acid change in the encoded protein sequence. Three of five in-silico tools predict a benign effect of the variant on protein function. The variant allele was found at a frequency of 0.0023 in 151936 control chromosomes, predominantly at a frequency of 0.036 within the African or African-American subpopulation in the gnomAD database, including 6 homozygotes. The observed variant frequency within African or African-American control individuals in the gnomAD database is approximately 11 fold of the estimated maximal expected allele frequency for a pathogenic variant in EYS causing Retinitis Pigmentosa phenotype (0.0034), strongly suggesting that the variant is a benign polymorphism found primarily in populations of African or African-American origin. Three clinical diagnostic laboratories have submitted clinical-significance assessments for this variant to ClinVar after 2014 without evidence for independent evaluation. All laboratories classified the variant as benign. Based on the evidence outlined above, the variant was classified as benign.

Mendelics
Classification: Benign for Retinitis pigmentosa 25. Last evaluated: 2019-05-28. Review status: criteria provided, single submitter. Criteria: Mendelics Assertion Criteria 2017. Collection method: clinical testing. Allele origin: unknown.

Illumina Laboratory Services, Illumina
Classification: Benign for Retinitis pigmentosa. Last evaluated: 2017-04-28. Review status: criteria provided, single submitter. Criteria: ICSL Variant Classification Criteria 13 December 2019. Collection method: clinical testing. Allele origin: germline.
Comment: This variant was observed as part of a predisposition screen in an ostensibly healthy population. A literature search was performed for the gene, cDNA change, and amino acid change (where applicable). No publications were found based on this search. Allele frequency data from public databases was too high to be consistent with this variant causing disease. Therefore, this variant is classified as benign.

GeneDx
Classification: Benign. Last evaluated: 2011-07-18. Review status: criteria provided, single submitter. Criteria: GeneDx Variant Classification (06012015). Collection method: clinical testing. Allele origin: germline.
Comment: The variant is found in ARRP panel(s).

Natera, Inc.
Classification: Likely benign for Retinitis pigmentosa type 25. Last evaluated: 2019-10-31. Review status: no assertion criteria provided. Collection method: clinical testing. Allele origin: germline. Not counted in ClinVar's aggregate classification.

NM_001142800.2(EYS):c.5044G>T (p.Asp1682Tyr)

Gene: EYS (EGF-like photoreceptor maintenance factor; minus strand). Cytogenetic location: 6q12.
Variant type: single nucleotide variant.
Coding change: c.5044G>T on transcript NM_001142800.2 (MANE Select); coding-DNA position 5044, G replaced by T.
Protein change: p.Asp1682Tyr; replaces aspartic acid 1682 with tyrosine.
Molecular consequence: missense variant.
Genome position (GRCh38, 1-based): chr6:64,590,823, C>A on the plus strand (G>T on the coding strand, the complement: EYS is on the minus strand). VCF-style: chr6-64590823-C-A. GRCh37 (hg19) VCF-style: chr6-65300716-C-A.
Other names: p.D1682Y:GAT>TAT; c.5044G>T (FM209056.1); c.5044G>T, p.Asp1682Tyr (NM_001292009.2); short protein forms D1682Y.
Identifiers: ClinVar variation 137253 (VCV000137253.19), dbSNP rs75831552, ClinGen allele CA290788.